The following is an entry in ClinVar:

ClinVar aggregate classification (germline): Uncertain significance (1 of 4 stars; one submission).

Allele frequency attached by ClinVar (database versions not stated): ExAC 0.00003.
gnomAD v4.1: 9 of 1,595,222 alleles (0.00056%); highest among the groups gnomAD compares: Admixed American, 0.012%; no homozygotes.

Submission:

Labcorp Genetics (formerly Invitae), Labcorp
Classification: Uncertain significance. Last evaluated: 2024-09-12. Review status: criteria provided, single submitter. Criteria: Invitae Variant Classification Sherloc (09022015). Collection method: clinical testing. Allele origin: germline.
Comment: This sequence change replaces threonine, which is neutral and polar, with alanine, which is neutral and non-polar, at codon 438 of the NFKB1 protein (p.Thr438Ala). This variant is present in population databases (rs777949092, gnomAD 0.02%). This variant has not been reported in the literature in individuals affected with NFKB1-related conditions. ClinVar contains an entry for this variant (Variation ID: 1925585). An algorithm developed to predict the effect of missense changes on protein structure and function (PolyPhen-2) suggests that this variant is likely to be tolerated. In summary, the available evidence is currently insufficient to determine the role of this variant in disease. Therefore, it has been classified as a Variant of Uncertain Significance.

NM_003998.4(NFKB1):c.1312A>G (p.Thr438Ala)

Gene: NFKB1 (nuclear factor kappa B subunit 1; plus strand). Cytogenetic location: 4q24.
Variant type: single nucleotide variant.
Coding change: c.1312A>G on transcript NM_003998.4 (MANE Select); coding-DNA position 1312, A replaced by G.
Protein change: p.Thr438Ala; replaces threonine 438 with alanine.
Molecular consequence: missense variant.
Genome position (GRCh38, 1-based): chr4:102,596,149, A>G. VCF-style: chr4-102596149-A-G. GRCh37 (hg19) VCF-style: chr4-103517306-A-G.
Other names: c.1309A>G, p.Thr437Ala (NM_001165412.2, NM_001319226.2, NM_001382627.1); c.1312A>G, p.Thr438Ala (NM_001382625.1, NM_001382626.1); c.1270A>G, p.Thr424Ala (NM_001382628.1); short protein forms T438A, T437A, T424A.
Identifiers: ClinVar variation 1925585 (VCV001925585.5), dbSNP rs777949092, ClinGen allele CA3026130.
Genomic context (GRCh38, chr4:102,596,149, plus strand): 5'-CTAAATACATTTTACTGAGAAAAATCTGATGTTTTTGCATTTATCTTAGGAACCATGGAC[A>G]CTGAATCTAAAAAGGACCCTGAAGGTTGTGACAAAAGTGATGACAAAAACACTGTAAACC-3'
Protein context (NP_003989.2, residues 428-448): NAGMKHGTMD[Thr438Ala]ESKKDPEGCD